The following is an entry in ClinVar:

NM_005027.4(PIK3R2):c.608G>T (p.Gly203Val)

Genes: PIK3R2 (phosphoinositide-3-kinase regulatory subunit 2; plus strand), LOC130063979 (ATAC-STARR-seq lymphoblastoid silent region 10375; plus strand). Cytogenetic location: 19p13.11.
Variant type: single nucleotide variant.
Coding change: c.608G>T on transcript NM_005027.4 (MANE Select); coding-DNA position 608, G replaced by T.
Protein change: p.Gly203Val; replaces glycine 203 with valine.
Molecular consequence: missense variant. On other transcripts: non-coding transcript variant (1).
Genome position (GRCh38, 1-based): chr19:18,161,288, G>T. VCF-style: chr19-18161288-G-T. GRCh37 (hg19) VCF-style: chr19-18272098-G-T.
Other names: short protein forms G203V.
Identifiers: ClinVar variation 3636215 (VCV003636215.2).

ClinVar aggregate classification (germline): Uncertain significance (1 of 4 stars; one submission).

Conditions:
Megalencephaly-polymicrogyria-postaxial polydactyly-hydrocephalus syndrome. Also called: MPPH Syndrome; MEG-PMG-MEGACC SYNDROME. Identifiers: Orphanet 83473, MedGen C1863924, MONDO:0019375.

Submission:

Labcorp Genetics (formerly Invitae), Labcorp
Classification: Uncertain significance for Megalencephaly-polymicrogyria-postaxial polydactyly-hydrocephalus syndrome. Last evaluated: 2024-06-03. Review status: criteria provided, single submitter. Criteria: Invitae Variant Classification Sherloc (09022015). Collection method: clinical testing. Allele origin: germline.
Comment: This sequence change replaces glycine, which is neutral and non-polar, with valine, which is neutral and non-polar, at codon 203 of the PIK3R2 protein (p.Gly203Val). This variant is not present in population databases (gnomAD no frequency). This variant has not been reported in the literature in individuals affected with PIK3R2-related conditions. Advanced modeling of protein sequence and biophysical properties (such as structural, functional, and spatial information, amino acid conservation, physicochemical variation, residue mobility, and thermodynamic stability) performed at Invitae indicates that this missense variant is not expected to disrupt PIK3R2 protein function with a negative predictive value of 95%. In summary, the available evidence is currently insufficient to determine the role of this variant in disease. Therefore, it has been classified as a Variant of Uncertain Significance.